The following is an entry in ClinVar:

NM_001378120.1(MBD5):c.361_362del (p.Pro121fs)

Gene: MBD5 (methyl-CpG binding domain protein 5; plus strand). Cytogenetic location: 2q23.1.
Variant type: Deletion.
Coding change: c.361_362del on transcript NM_001378120.1 (MANE Select); coding-DNA positions 361 to 362, 2 bases deleted (CC; older notation c.361_362delCC).
Protein change: p.Pro121fs; shifts the reading frame from proline 121.
Molecular consequence: frameshift variant.
Genome position (GRCh38, 1-based): chr2:148,463,883-148,463,884, CC deleted. VCF-style (leftmost placement, unchanged base first): chr2-148463882-TCC-T. GRCh37 (hg19) VCF-style: chr2-149221451-TCC-T.
Other names: c.361_362del, p.Pro121fs (NM_018328.5); c.361_362delCC (NM_018328.4); short protein forms P121fs.
Identifiers: ClinVar variation 503821 (VCV000503821.2), dbSNP rs1553517973, ClinGen allele CA658795863.

ClinVar aggregate classification (germline): Pathogenic (1 of 4 stars; one submission).

Submission:

GeneDx
Classification: Pathogenic. Last evaluated: 2017-11-27. Review status: criteria provided, single submitter. Criteria: GeneDx Variant Classification (06012015). Collection method: clinical testing. Allele origin: germline. Affected: yes.
Comment: The c.361_362delCC variant in the MBD5 gene has not been reported previously as a pathogenic variant nor as a benign variant, to our knowledge. The c.361_362delCC variant causes a frameshift starting with codon Proline 121, changes this amino acid to a Phenylalanine residue, and creates a premature Stop codon at position 30 of the new reading frame, denoted p.Pro121PhefsX30. This variant is predicted to cause loss of normal protein function either through protein truncation or nonsense-mediated mRNA decay. The c.361_362delCC variant is not observed in large population cohorts (Lek et al., 2016). We interpret c.361_362delCC as a pathogenic variant.